The following is an entry in ClinVar:

NM_001323289.2(CDKL5):c.1300C>T (p.Leu434Phe)

Gene: CDKL5 (cyclin dependent kinase like 5; plus strand). Cytogenetic location: Xp22.13.
Variant type: single nucleotide variant.
Coding change: c.1300C>T on transcript NM_001323289.2 (MANE Select); coding-DNA position 1300, C replaced by T.
Protein change: p.Leu434Phe; replaces leucine 434 with phenylalanine.
Molecular consequence: missense variant.
Genome position (GRCh38, 1-based): chrX:18,604,224, C>T. VCF-style: chrX-18604224-C-T. GRCh37 (hg19) VCF-style: chrX-18622344-C-T.
Other names: c.1300C>T, p.Leu434Phe (NM_001037343.2, NM_003159.3); short protein forms L434F.
Identifiers: ClinVar variation 2577681 (VCV002577681.1), dbSNP rs2518874108, ClinGen allele CA412360339.

ClinVar aggregate classification (germline): Uncertain significance (1 of 4 stars; one submission).

Submission:

GeneDx
Classification: Uncertain significance. Last evaluated: 2023-02-26. Review status: criteria provided, single submitter. Criteria: GeneDx Variant Classification Process June 2021. Collection method: clinical testing. Allele origin: germline. Affected: yes.
Comment: Not observed at significant frequency in large population cohorts (gnomAD); In silico analysis supports that this missense variant does not alter protein structure/function; Has not been previously published as pathogenic or benign to our knowledge